The following is an entry in ClinVar:

NM_000039.3(APOA1):c.554C>T (p.Thr185Met)

Gene: APOA1 (apolipoprotein A1; minus strand). Cytogenetic location: 11q23.3.
Variant type: single nucleotide variant.
Coding change: c.554C>T on transcript NM_000039.3 (MANE Select); coding-DNA position 554, C replaced by T.
Protein change: p.Thr185Met; replaces threonine 185 with methionine.
Molecular consequence: missense variant.
Genome position (GRCh38, 1-based): chr11:116,836,058, G>A on the plus strand (C>T on the coding strand, the complement: APOA1 is on the minus strand). VCF-style: chr11-116836058-G-A. GRCh37 (hg19) VCF-style: chr11-116706774-G-A.
Other names: c.554C>T, p.Thr185Met (NM_001318017.2, NM_001318018.2); c.227C>T, p.Thr76Met (NM_001318021.2); short protein forms T76M, T185M.
Identifiers: ClinVar variation 1748231 (VCV001748231.2), dbSNP rs2540288868, ClinGen allele CA382715229.

ClinVar aggregate classification (germline): Uncertain significance (1 of 4 stars; one submission).

Conditions:
Cardiovascular phenotype. Identifiers: MedGen CN230736.

Allele frequency attached by ClinVar (database versions not stated): gnomAD exomes below 0.00001.
gnomAD v4.1: 1 of 1,605,090 alleles (0.000062%); highest among the groups gnomAD compares: Non-Finnish European, 0.000085%; no homozygotes.

Submission:

Ambry Genetics
Classification: Uncertain significance for Cardiovascular phenotype. Last evaluated: 2021-03-23. Review status: criteria provided, single submitter. Criteria: Ambry Variant Classification Scheme 2023. Collection method: clinical testing. Allele origin: germline.
Comment: The p.T185M variant (also known as c.554C>T), located in coding exon 3 of the APOA1 gene, results from a C to T substitution at nucleotide position 554. The threonine at codon 185 is replaced by methionine, an amino acid with similar properties. This amino acid position is not well conserved in available vertebrate species. In addition, this alteration is predicted to be tolerated by in silico analysis. Since supporting evidence is limited at this time, the clinical significance of this alteration remains unclear.